The following is an entry in ClinVar:

ClinVar aggregate classification (germline): Uncertain significance (1 of 4 stars; one submission).

Conditions:
Hypertrophic cardiomyopathy. Also called: HYPERTROPHIC MYOCARDIOPATHY. Identifiers: Orphanet 217569, MedGen C0007194, MeSH D002312, MONDO:0005045, HP:0001639.

Submission:

Labcorp Genetics (formerly Invitae), Labcorp
Classification: Uncertain significance for Hypertrophic cardiomyopathy. Last evaluated: 2024-06-23. Review status: criteria provided, single submitter. Criteria: Invitae Variant Classification Sherloc (09022015). Collection method: clinical testing. Allele origin: germline.
Comment: This sequence change replaces glutamic acid, which is acidic and polar, with lysine, which is basic and polar, at codon 1399 of the MYH7 protein (p.Glu1399Lys). This variant is not present in population databases (gnomAD no frequency). This variant has not been reported in the literature in individuals affected with MYH7-related conditions. Advanced modeling of protein sequence and biophysical properties (such as structural, functional, and spatial information, amino acid conservation, physicochemical variation, residue mobility, and thermodynamic stability) performed at Invitae indicates that this missense variant is expected to disrupt MYH7 protein function with a positive predictive value of 95%. In summary, the available evidence is currently insufficient to determine the role of this variant in disease. Therefore, it has been classified as a Variant of Uncertain Significance.

NM_000257.4(MYH7):c.4195G>A (p.Glu1399Lys)

Gene: MYH7 (myosin heavy chain 7; minus strand). Cytogenetic location: 14q11.2.
Variant type: single nucleotide variant.
Coding change: c.4195G>A on transcript NM_000257.4 (MANE Select); coding-DNA position 4195, G replaced by A.
Protein change: p.Glu1399Lys; replaces glutamic acid 1399 with lysine.
Molecular consequence: missense variant.
Genome position (GRCh38, 1-based): chr14:23,417,661, C>T on the plus strand (G>A on the coding strand, the complement: MYH7 is on the minus strand). VCF-style: chr14-23417661-C-T. GRCh37 (hg19) VCF-style: chr14-23886870-C-T.
Other names: c.4195G>A, p.Glu1399Lys (NM_001407004.1); short protein forms E1399K.
Identifiers: ClinVar variation 3606440 (VCV003606440.2).